The following is an entry in ClinVar:

ClinVar aggregate classification (germline): Uncertain significance. Review status: criteria provided, multiple submitters, no conflicts (2 of 4 stars). 2 submissions from 2 submitters: Uncertain significance (2). Last evaluated 2024-07-06.

Conditions:
Inborn genetic diseases. Identifiers: MedGen C0950123, MeSH D030342.

Allele frequency attached by ClinVar (database versions not stated): gnomAD exomes 0.00002; TOPMed 0.00002.
gnomAD v4.1: 35 of 1,613,976 alleles (0.0022%); highest among the groups gnomAD compares: Non-Finnish European, 0.0029%; no homozygotes.

Submissions (2):

Ambry Genetics
Classification: Uncertain significance for Inborn genetic diseases. Last evaluated: 2024-07-06. Review status: criteria provided, single submitter. Criteria: Ambry Variant Classification Scheme 2023. Collection method: clinical testing. Allele origin: germline.

GeneDx
Classification: Uncertain significance. Last evaluated: 2022-12-20. Review status: criteria provided, single submitter. Criteria: GeneDx Variant Classification Process June 2021. Collection method: clinical testing. Allele origin: germline. Affected: yes.
Comment: Not observed at significant frequency in large population cohorts (gnomAD); In silico analysis supports that this missense variant has a deleterious effect on protein structure/function; Has not been previously published as pathogenic or benign to our knowledge

NM_022124.6(CDH23):c.4244G>A (p.Ser1415Asn)

Gene: CDH23 (cadherin related 23; plus strand). Cytogenetic location: 10q22.1.
Variant type: single nucleotide variant.
Coding change: c.4244G>A on transcript NM_022124.6 (MANE Select); coding-DNA position 4244, G replaced by A.
Protein change: p.Ser1415Asn; replaces serine 1415 with asparagine.
Molecular consequence: missense variant.
Genome position (GRCh38, 1-based): chr10:71,738,532, G>A. VCF-style: chr10-71738532-G-A. GRCh37 (hg19) VCF-style: chr10-73498289-G-A.
Other names: short protein forms S1415N.
Identifiers: ClinVar variation 2506642 (VCV002506642.2), dbSNP rs750608216, ClinGen allele CA209484445.
Genomic context (GRCh38, chr10:71,738,532, plus strand): 5'-AGGTCTCTGACCACGTTCACCCTCAGGTCTACATCACTGTGCTGGACGAGAATGACAACA[G>A]CCCCCGGTTTGACTTCACCTCCGACTCGGCGGTCAGCATACCCGAGGACTGCCCTGTGGG-3'
Protein context (NP_071407.4, residues 1405-1425): YITVLDENDN[Ser1415Asn]PRFDFTSDSA